The following is an entry in ClinVar:

NM_006009.4(TUBA1A):c.920C>T (p.Pro307Leu)

Gene: TUBA1A (tubulin alpha 1a; minus strand). Cytogenetic location: 12q13.12.
Variant type: single nucleotide variant.
Coding change: c.920C>T on transcript NM_006009.4 (MANE Select); coding-DNA position 920, C replaced by T.
Protein change: p.Pro307Leu; replaces proline 307 with leucine.
Molecular consequence: missense variant.
Genome position (GRCh38, 1-based): chr12:49,185,446, G>A on the plus strand (C>T on the coding strand, the complement: TUBA1A is on the minus strand). VCF-style: chr12-49185446-G-A. GRCh37 (hg19) VCF-style: chr12-49579229-G-A.
Other names: c.920C>T, p.Pro307Leu (NM_001270399.2); c.815C>T, p.Pro272Leu (NM_001270400.2); short protein forms P307L, P272L.
Identifiers: ClinVar variation 438589 (VCV000438589.3), dbSNP rs1555162325, ClinGen allele CA384638385.

ClinVar aggregate classification (germline): Pathogenic/Likely pathogenic. Review status: criteria provided, multiple submitters, no conflicts (2 of 4 stars). 2 submissions from 2 submitters: Pathogenic (1); Likely pathogenic (1). Last evaluated 2018-07-01.

Conditions:
Lissencephaly due to TUBA1A mutation (CDCBM16). Also called: CORTICAL DYSPLASIA, COMPLEX, WITH OTHER BRAIN MALFORMATIONS 16; Lissencephaly 3. Identifiers: Orphanet 171680, MedGen C4305153, MONDO:0012703, OMIM 611603.
Tubulinopathy. Also called: Tubulinopathies. Identifiers: MedGen CN850169, MONDO:0100153.

Submissions (2):

Institute of Human Genetics, FAU Erlangen, Friedrich-Alexander-Universität Erlangen-Nürnberg
Classification: Pathogenic for Tubulinopathies. Last evaluated: 2018-07-01. Review status: criteria provided, single submitter. Criteria: ACMG Guidelines, 2015. Collection method: literature only. Allele origin: de novo. Affected: yes. Observed: 1 variant allele.
Comment: The c.920C>T, p.(Pro307Leu) variant has been reported as a variant of de novo origin. This variant and associated phenotype was previously reported by Wiszniewski et al. Eur J Hum Genet, 2018 PMID: 29706646. HPO-standardized clinical features were: Hypoplasia of the corpus callosum (HP:0002079); Cerebellar vermis hypoplasia (HP:0001320); Cerebellar hypoplasia (HP:0001321); Gray matter heterotopia (HP:0002281); Generalized tonic-clonic seizures (HP:0002069)

Lupski Lab, Baylor-Hopkins CMG, Baylor College of Medicine
Classification: Likely pathogenic for Lissencephaly due to TUBA1A mutation. Last evaluated: 2017-09-01. Review status: criteria provided, single submitter. Criteria: Wiszniewski et al. (Eur J Hum Genet. 2018). Collection method: research. Allele origin: de novo. Inheritance: Autosomal dominant inheritance. Affected: yes. Observed: 1 variant allele.

Literature cited by the submitters: PubMed 30744660 (cited by Institute of Human Genetics, FAU Erlangen, Friedrich-Alexander-Universität Erlangen-Nürnberg); DOI 10.1101/427948 (cited by Institute of Human Genetics, FAU Erlangen, Friedrich-Alexander-Universität Erlangen-Nürnberg).